The following is an entry in ClinVar:

ClinVar aggregate classification (germline): Likely pathogenic (1 of 4 stars; one submission).

Conditions:
CASR-related disorder. Also called: CASR-related condition.

Submission:

PreventionGenetics, part of Exact Sciences
Classification: Likely pathogenic for CASR-related condition. Last evaluated: 2025-07-25. Review status: criteria provided, single submitter. Criteria: ACMG Guidelines, 2015. Collection method: clinical testing. Allele origin: germline.
Comment: The CASR c.2751dupA variant is predicted to result in a frameshift and premature protein termination (p.Ser918Ilefs*73). To our knowledge, this variant has not been reported in the literature or in a large population database (gnomAD), indicating this variant is rare. Frameshift variants in CASR are expected to be pathogenic. This variant is located in the terminal exon and is not predicted to cause nonsense mediated decay of the transcript, however, truncating variants nearby in the same exon of the CASR gene have been reported to be pathogenic for CASR-related conditions (Nissen et al. 2019. PubMed ID: 31433865; García-Castaño et al. 2019. PubMed ID: 30407919), and truncating variants in the C-tail of the calcium-sensing receptor (CASR) have been suggested to result in gain-of-function (Obermannova et al. 2016. PubMed ID: 26764418). This variant is interpreted as likely pathogenic.

NM_000388.4(CASR):c.2721dup (p.Ser908fs)

Gene: CASR (calcium sensing receptor; plus strand). Cytogenetic location: 3q21.1.
Variant type: Duplication.
Coding change: c.2721dup on transcript NM_000388.4 (MANE Select); coding-DNA position 2721, one base duplicated (A; older notation c.2721dupA).
Protein change: p.Ser908fs; shifts the reading frame from serine 908.
Molecular consequence: frameshift variant.
Genome position (GRCh38, 1-based): chr3:122,284,675, A duplicated. VCF-style (leftmost placement, unchanged base first): chr3-122284674-G-GA. GRCh37 (hg19) VCF-style: chr3-122003521-G-GA.
Other names: c.2751dup, p.Ser918fs (NM_001178065.2); short protein forms S908fs, S918fs.
Identifiers: ClinVar variation 4998535 (VCV004998535.1).